The following is an entry in ClinVar:

NM_001303052.2(MYT1L):c.2452G>A (p.Asp818Asn)

Gene: MYT1L (myelin transcription factor 1 like; minus strand). Cytogenetic location: 2p25.3.
Variant type: single nucleotide variant.
Coding change: c.2452G>A on transcript NM_001303052.2 (MANE Select); coding-DNA position 2452, G replaced by A.
Protein change: p.Asp818Asn; replaces aspartic acid 818 with asparagine.
Molecular consequence: missense variant.
Genome position (GRCh38, 1-based): chr2:1,889,309, C>T on the plus strand (G>A on the coding strand, the complement: MYT1L is on the minus strand). VCF-style: chr2-1889309-C-T. GRCh37 (hg19) VCF-style: chr2-1893081-C-T.
Other names: c.2446G>A, p.Asp816Asn (NM_001329849.3, NM_001329852.3, NM_015025.4 and 3 more transcripts); c.2452G>A, p.Asp818Asn (NM_001329851.3, NM_001329844.2, NM_001329845.1); short protein forms D816N, D818N.
Identifiers: ClinVar variation 1307674 (VCV001307674.3), dbSNP rs2048539766, ClinGen allele CA345710656.

ClinVar aggregate classification (germline): Uncertain significance. Review status: criteria provided, multiple submitters, no conflicts (2 of 4 stars). 2 submissions from 2 submitters: Uncertain significance (2). Last evaluated 2020-05-07.

Conditions:
Intellectual developmental disorder, autosomal dominant 39. Also called: Mental retardation, autosomal dominant 39; Intellectual disability, autosomal dominant 39. Identifiers: MedGen C4225296, MONDO:0014678, OMIM 616521.

Allele frequency attached by ClinVar (database versions not stated): TOPMed 0.00001.

Submissions (2):

New York Genome Center
Classification: Uncertain significance for Intellectual developmental disorder, autosomal dominant 39. Last evaluated: 2020-05-07. Review status: criteria provided, single submitter. Criteria: NYGC Assertion Criteria 2020. Collection method: clinical testing. Allele origin: inherited. Observed: 1 heterozygote. Study: CSER-NYCKidSeq.

GeneDx
Classification: Uncertain significance. Last evaluated: 2019-08-05. Review status: criteria provided, single submitter. Criteria: GeneDx Variant Classification Process June 2021. Collection method: clinical testing. Allele origin: germline. Affected: yes.
Comment: Not observed in large population cohorts (Lek et al., 2016); In silico analysis, which includes protein predictors and evolutionary conservation, supports a deleterious effect; Has not been previously published as pathogenic or benign to our knowledge